The following is an entry in ClinVar:

NM_178822.5(IGSF10):c.396A>G (p.Thr132=)

Gene: IGSF10 (immunoglobulin superfamily member 10; minus strand). Cytogenetic location: 3q25.1.
Variant type: single nucleotide variant.
Coding change: c.396A>G on transcript NM_178822.5 (MANE Select); coding-DNA position 396, A replaced by G.
Protein change: p.Thr132=; no amino-acid change (threonine 132 retained).
Molecular consequence: synonymous variant.
Genome position (GRCh38, 1-based): chr3:151,453,703, T>C on the plus strand (A>G on the coding strand, the complement: IGSF10 is on the minus strand). VCF-style: chr3-151453703-T-C. GRCh37 (hg19) VCF-style: chr3-151171491-T-C.
Other names: c.396A>G, p.Thr132= (NM_001385060.1, NM_001385061.1, NM_001385062.1 and 1 more transcripts).
Identifiers: ClinVar variation 789723 (VCV000789723.13), dbSNP rs79231031, ClinGen allele CA2670767.
Genomic context (GRCh38, chr3:151,453,703, plus strand): 5'-GAGCCCATAAAAAACCTCTGGGTTTATAAACTCAATATTGTTGTGGTCCATGTGCAATCG[T>C]GTCAAGCTCCTGAGGCCATAAAAAGTATCTTTCTGAAGTTTTCGGACTTTATTATAGCTC-3'
Protein context (NP_849144.2, residues 122-142): KDTFYGLRSL[Thr132=]RLHMDHNNIE

ClinVar aggregate classification (germline): Benign. Review status: criteria provided, multiple submitters, no conflicts (2 of 4 stars). 3 submissions from 3 submitters: Benign (2). 1 of the submissions does not count toward it. Last evaluated 2025-12-15.

Conditions:
IGSF10-related disorder. Also called: IGSF10-related condition.

Allele frequency attached by ClinVar (database versions not stated): gnomAD exomes 0.00125 and 0.00354; ExAC 0.00415; gnomAD 0.01343 and 0.01452; TOPMed 0.01547; ESP Exome Variant Server 0.01569; 1000 Genomes Project 0.01697; 1000 Genomes Project 30x 0.01811.
gnomAD v4.1: 3,970 of 1,611,080 alleles (0.25%); highest among the groups gnomAD compares: African/African-American, 4.6%; 89 homozygotes.

Submissions (3):

Labcorp Genetics (formerly Invitae), Labcorp
Classification: Benign. Last evaluated: 2025-12-15. Review status: criteria provided, single submitter. Criteria: Invitae Variant Classification Sherloc (09022015). Collection method: clinical testing. Allele origin: germline.

Breakthrough Genomics
Classification: Benign. Review status: criteria provided, single submitter. Criteria: ACMG Guidelines, 2015. Collection method: not provided. Allele origin: germline. Inheritance: Unknown mechanism. Affected: yes.

PreventionGenetics, part of Exact Sciences
Classification: Benign for IGSF10-related condition. Last evaluated: 2019-03-06. Review status: no assertion criteria provided. Collection method: clinical testing. Allele origin: germline. Not counted in ClinVar's aggregate classification.
Comment: This variant is classified as benign based on ACMG/AMP sequence variant interpretation guidelines (Richards et al. 2015 PMID: 25741868, with internal and published modifications).